The following is an entry in ClinVar:

NC_000001.10:g.(?_213031795)_(213037231_?)del

Gene: FLVCR1 (FLVCR choline and heme transporter 1; plus strand). Cytogenetic location: 1q32.3.
Variant type: Deletion.
Identifiers: ClinVar variation 2425887 (VCV002425887.4).

ClinVar aggregate classification (germline): Pathogenic (1 of 4 stars; one submission).

Submission:

Labcorp Genetics (formerly Invitae), Labcorp
Classification: Pathogenic. Last evaluated: 2022-03-17. Review status: criteria provided, single submitter. Criteria: Invitae Variant Classification Sherloc (09022015). Collection method: clinical testing. Allele origin: germline.
Comment: For these reasons, this variant has been classified as Pathogenic. This variant has not been reported in the literature in individuals affected with FLVCR1-related conditions. This variant is a gross deletion of the genomic region encompassing exon(s) 1-2 of the FLVCR1 gene, which includes the initiator codon. This deletion extends beyond the assayed region for this gene and therefore may encompass additional genes. It is expected to result in an absent or disrupted protein product. Loss-of-function variants in FLVCR1 are known to be pathogenic (PMID: 23591405, 27923065).

Literature cited by the submitters: PubMed 23591405; PubMed 27923065.